The following is an entry in ClinVar:

ClinVar aggregate classification (germline): Conflicting classifications of pathogenicity. Review status: criteria provided, conflicting classifications (1 of 4 stars). 3 submissions from 3 submitters: Likely pathogenic (1); Uncertain significance (2). Last evaluated 2026-03-11.

Conditions:
Metachromatic leukodystrophy (MLD). Also called: Cerebral sclerosis diffuse metachromatic form; Arylsulfatase A Deficiency; SULFATIDE LIPIDOSIS; ARSA DEFICIENCY; CEREBROSIDE SULFATASE DEFICIENCY; METACHROMATIC LEUKOENCEPHALOPATHY. Identifiers: Orphanet 512, MedGen C0023522, MONDO:0018868, OMIM 250100.

Allele frequency attached by ClinVar (database versions not stated): TOPMed 0.00015; gnomAD 0.00011; ExAC 0.00003; 1000 Genomes Project 30x 0.00016; 1000 Genomes Project 0.00020.

Submissions (3):

Dasa
Classification: Uncertain significance. Last evaluated: 2026-03-11. Review status: criteria provided, single submitter. Criteria: DASA Assertion Criteria. Collection method: clinical testing. Allele origin: germline.
Comment: NM_000487.6(ARSA):c.434G>A (p.Arg145Gln) is a missense variant that results in the substitution of arginine with glutamine. The affected residue or protein region has prior evidence supporting clinical relevance. This variant is rare in population databases. The currently available literature and clinical evidence are not sufficient to establish a definitive association between this variant and the reported condition. Therefore, this variant is classified as a variant of uncertain significance.

Labcorp Genetics (formerly Invitae), Labcorp
Classification: Likely pathogenic for Metachromatic leukodystrophy. Last evaluated: 2026-01-14. Review status: criteria provided, single submitter. Criteria: Invitae Variant Classification Sherloc (09022015). Collection method: clinical testing. Allele origin: germline.
Comment: This sequence change replaces arginine, which is basic and polar, with glutamine, which is neutral and polar, at codon 145 of the ARSA protein (p.Arg145Gln). This variant is present in population databases (rs551548107, gnomAD 0.03%). This variant has not been reported in the literature in individuals affected with ARSA-related conditions. ClinVar contains an entry for this variant (Variation ID: 899762). Invitae Evidence Modeling of protein sequence and biophysical properties (such as structural, functional, and spatial information, amino acid conservation, physicochemical variation, residue mobility, and thermodynamic stability) indicates that this missense variant is expected to disrupt ARSA protein function with a positive predictive value of 95%. Algorithms developed to predict the effect of sequence changes on RNA splicing suggest that this variant may disrupt the consensus splice site. This variant disrupts the p.Arg145 amino acid residue in ARSA. Other variant(s) that disrupt this residue have been determined to be pathogenic (PMID: 11020646). This suggests that this residue is clinically significant, and that variants that disrupt this residue are likely to be disease-causing. In summary, the currently available evidence indicates that the variant is pathogenic, but additional data are needed to prove that conclusively. Therefore, this variant has been classified as Likely Pathogenic.

Illumina Laboratory Services, Illumina
Classification: Uncertain significance for Metachromatic leukodystrophy. Last evaluated: 2018-01-12. Review status: criteria provided, single submitter. Criteria: ICSL Variant Classification Criteria 13 December 2019. Collection method: clinical testing. Allele origin: germline.

Literature cited by the submitters: PubMed 11020646 (cited by Labcorp Genetics (formerly Invitae), Labcorp).

NM_000487.6(ARSA):c.434G>A (p.Arg145Gln)

Gene: ARSA (arylsulfatase A; minus strand). Cytogenetic location: 22q13.33.
Variant type: single nucleotide variant.
Coding change: c.434G>A on transcript NM_000487.6 (MANE Select); coding-DNA position 434, G replaced by A.
Protein change: p.Arg145Gln; replaces arginine 145 with glutamine.
Molecular consequence: missense variant.
Genome position (GRCh38, 1-based): chr22:50,627,197, C>T on the plus strand (G>A on the coding strand, the complement: ARSA is on the minus strand). VCF-style: chr22-50627197-C-T. GRCh37 (hg19) VCF-style: chr22-51065625-C-T.
Other names: c.434G>A, p.Arg145Gln (NM_001085425.3, NM_001085426.3, NM_001085427.3); c.176G>A, p.Arg59Gln (NM_001085428.3, NM_001362782.2); short protein forms R145Q, R59Q.
Identifiers: ClinVar variation 899762 (VCV000899762.12), dbSNP rs551548107, ClinGen allele CA10325033.